The following is an entry in ClinVar:

NM_015046.7(SETX):c.5019del (p.Val1674fs)

Gene: SETX (senataxin; minus strand). Cytogenetic location: 9q34.13.
Variant type: Deletion.
Coding change: c.5019del on transcript NM_015046.7 (MANE Select); coding-DNA position 5019, one base deleted (A; older notation c.5019delA).
Protein change: p.Val1674fs; shifts the reading frame from valine 1674.
Molecular consequence: frameshift variant.
Genome position (GRCh38, 1-based): chr9:132,326,579, T deleted on the plus strand (A on the coding strand, the reverse complement: SETX is on the minus strand); the first of 3 consecutive T bases (chr9:132,326,579-132,326,581); deleting any one gives the same sequence. VCF-style (leftmost placement, unchanged base first): chr9-132326578-CT-C. GRCh37 (hg19) VCF-style: chr9-135201965-CT-C.
Other names: c.5019del, p.Val1674fs (NM_001351527.2, NM_001351528.2); short protein forms V1674fs.
Identifiers: ClinVar variation 2937674 (VCV002937674.3), dbSNP rs2539088969, ClinGen allele CA2579491633.

ClinVar aggregate classification (germline): Pathogenic (1 of 4 stars; one submission).

Conditions:
Amyotrophic lateral sclerosis type 4 (ALS4). Also called: AMYOTROPHIC LATERAL SCLEROSIS 4, JUVENILE; NEURONOPATHY, DISTAL HEREDITARY MOTOR, WITH PYRAMIDAL FEATURES. Identifiers: Orphanet 357043, MedGen C1865409, MONDO:0011223, OMIM 602433.
Spinocerebellar ataxia, autosomal recessive, with axonal neuropathy 2 (SCAN2). Also called: Ataxia with Oculomotor Apraxia; ATAXIA-OCULOMOTOR APRAXIA 2; Ataxia-ocular apraxia-2; Ataxia with Oculomotor Apraxia Type 2. Identifiers: Orphanet 64753, MedGen C1853761, MONDO:0018996, OMIM 606002.

Submission:

Labcorp Genetics (formerly Invitae), Labcorp
Classification: Pathogenic for Amyotrophic lateral sclerosis type 4; Spinocerebellar ataxia, autosomal recessive, with axonal neuropathy 2. Last evaluated: 2026-01-20. Review status: criteria provided, single submitter. Criteria: Invitae Variant Classification Sherloc (09022015). Collection method: clinical testing. Allele origin: germline.
Comment: This sequence change creates a premature translational stop signal (p.Val1674Phefs*15) in the SETX gene. It is expected to result in an absent or disrupted protein product. Loss-of-function variants in SETX are known to be pathogenic (PMID: 14770181). This variant is not present in population databases (gnomAD no frequency). This variant has not been reported in the literature in individuals affected with SETX-related conditions. ClinVar contains an entry for this variant (Variation ID: 2937674). For these reasons, this variant has been classified as Pathogenic.

Literature cited by the submitters: PubMed 14770181.